The following is an entry in ClinVar:

ClinVar aggregate classification (germline): Uncertain significance. Review status: criteria provided, multiple submitters, no conflicts (2 of 4 stars). 2 submissions from 2 submitters: Uncertain significance (2). Last evaluated 2025-05-25.

Conditions:
Inborn genetic diseases. Identifiers: MedGen C0950123, MeSH D030342.

Allele frequency attached by ClinVar (database versions not stated): ExAC 0.00001; gnomAD 0.00001; gnomAD exomes 0.00001 and 0.00002; TOPMed 0.00001.
gnomAD v4.1: 19 of 1,613,804 alleles (0.0012%); highest among the groups gnomAD compares: South Asian, 0.0055%; no homozygotes.

Submissions (2):

Ambry Genetics
Classification: Uncertain significance for Inborn genetic diseases. Last evaluated: 2025-05-25. Review status: criteria provided, single submitter. Criteria: Ambry Variant Classification Scheme 2023. Collection method: clinical testing. Allele origin: germline.

Labcorp Genetics (formerly Invitae), Labcorp
Classification: Uncertain significance. Last evaluated: 2022-08-23. Review status: criteria provided, single submitter. Criteria: Invitae Variant Classification Sherloc (09022015). Collection method: clinical testing. Allele origin: germline.
Comment: In summary, the available evidence is currently insufficient to determine the role of this variant in disease. Therefore, it has been classified as a Variant of Uncertain Significance. Algorithms developed to predict the effect of missense changes on protein structure and function output the following: SIFT: "Tolerated"; PolyPhen-2: "Benign"; Align-GVGD: "Class C0". The valine amino acid residue is found in multiple mammalian species, which suggests that this missense change does not adversely affect protein function. ClinVar contains an entry for this variant (Variation ID: 1055229). This variant has not been reported in the literature in individuals affected with RGS9-related conditions. This variant is present in population databases (rs765793690, gnomAD 0.006%). This sequence change replaces alanine, which is neutral and non-polar, with valine, which is neutral and non-polar, at codon 22 of the RGS9 protein (p.Ala22Val).

NM_003835.4(RGS9):c.65C>T (p.Ala22Val)

Gene: RGS9 (regulator of G protein signaling 9; plus strand). Cytogenetic location: 17q24.1.
Variant type: single nucleotide variant.
Coding change: c.65C>T on transcript NM_003835.4 (MANE Select); coding-DNA position 65, C replaced by T.
Protein change: p.Ala22Val; replaces alanine 22 with valine.
Molecular consequence: missense variant.
Genome position (GRCh38, 1-based): chr17:65,153,429, C>T. VCF-style: chr17-65153429-C-T. GRCh37 (hg19) VCF-style: chr17-63149547-C-T.
Other names: c.65C>T, p.Ala22Val (NM_001081955.3, NM_001165933.2); c.65C>T (NM_003835.3); short protein forms A22V.
Identifiers: ClinVar variation 1055229 (VCV001055229.7), dbSNP rs765793690, ClinGen allele CA8717475.